The following is an entry in ClinVar:

NM_001135649.3(FOXI3):c.64G>A (p.Ala22Thr)

Gene: FOXI3 (forkhead box I3; minus strand). Cytogenetic location: 2p11.2.
Variant type: single nucleotide variant.
Coding change: c.64G>A on transcript NM_001135649.3 (MANE Select); coding-DNA position 64, G replaced by A.
Protein change: p.Ala22Thr; replaces alanine 22 with threonine.
Molecular consequence: missense variant.
Genome position (GRCh38, 1-based): chr2:88,452,472, C>T on the plus strand (G>A on the coding strand, the complement: FOXI3 is on the minus strand). VCF-style: chr2-88452472-C-T. GRCh37 (hg19) VCF-style: chr2-88751990-C-T.
Other names: short protein forms A22T.
Identifiers: ClinVar variation 1715507 (VCV001715507.5), dbSNP rs2528918062, ClinGen allele CA347767128.

ClinVar aggregate classification (germline): Uncertain significance (1 of 4 stars; one submission).

Submission:

Labcorp Genetics (formerly Invitae), Labcorp
Classification: Uncertain significance. Last evaluated: 2024-02-24. Review status: criteria provided, single submitter. Criteria: Invitae Variant Classification Sherloc (09022015). Collection method: clinical testing. Allele origin: germline.
Comment: This sequence change replaces alanine, which is neutral and non-polar, with threonine, which is neutral and polar, at codon 22 of the FOXI3 protein (p.Ala22Thr). The frequency data for this variant in the population databases is considered unreliable, as metrics indicate insufficient coverage at this position in the gnomAD database. This variant has not been reported in the literature in individuals affected with FOXI3-related conditions. ClinVar contains an entry for this variant (Variation ID: 1715507). Experimental studies and prediction algorithms are not available or were not evaluated, and the functional significance of this variant is currently unknown. In summary, the available evidence is currently insufficient to determine the role of this variant in disease. Therefore, it has been classified as a Variant of Uncertain Significance.